The following is an entry in ClinVar:

NM_001166114.2(PNPLA6):c.1935C>G (p.Arg645=)

Gene: PNPLA6 (patatin like domain 6, lysophospholipase; plus strand). Cytogenetic location: 19p13.2.
Variant type: single nucleotide variant.
Coding change: c.1935C>G on transcript NM_001166114.2 (MANE Select); coding-DNA position 1935, C replaced by G.
Protein change: p.Arg645=; no amino-acid change (arginine 645 retained).
Molecular consequence: synonymous variant.
Genome position (GRCh38, 1-based): chr19:7,550,418, C>G. VCF-style: chr19-7550418-C-G. GRCh37 (hg19) VCF-style: chr19-7615304-C-G.
Other names: p.Arg606=; c.1962C>G, p.Arg654= (NM_001166111.2); c.1740C>G, p.Arg580= (NM_001166112.2); c.1818C>G, p.Arg606= (NM_001166113.1, NM_006702.5).
Identifiers: ClinVar variation 388843 (VCV000388843.50), dbSNP rs138023728, ClinGen allele CA9139962.
Genomic context (GRCh38, chr19:7,550,418, plus strand): 5'-GTCGCCCTTCGTGCGCCAGATGGACTTCGCCATCGACTGGACTGCAGTGGAGGCGGGACG[C>G]GCGCTGTACAGGTGCAGCTCCCACCGCGCTGCTCAGGCCCGGCCTAGGGGTGGGGACCTG-3'
Protein context (NP_001159586.1, residues 635-655): AIDWTAVEAG[Arg645=]ALYRQGDRSD

ClinVar aggregate classification (germline): Conflicting classifications of pathogenicity. Review status: criteria provided, conflicting classifications (1 of 4 stars). 10 submissions from 10 submitters: Uncertain significance (2); Likely benign (6). 2 of the submissions do not count toward it. Last evaluated 2026-06-01.

Conditions:
Hereditary spastic paraplegia 39 (SPG39). Also called: SPASTIC PARAPLEGIA 39, AUTOSOMAL RECESSIVE; Spastic Paraplegia Type 39 (SPG39). Identifiers: Orphanet 139480, MedGen C2677586, MONDO:0012787, OMIM 612020.
Hereditary spastic paraplegia. Also called: Familial spastic paraparesis. Identifiers: Orphanet 685, MedGen C0037773, MONDO:0019064. Disease mechanism: loss of function.

Allele frequency attached by ClinVar (database versions not stated): 1000 Genomes Project 30x 0.00031; gnomAD 0.00061 and 0.00064; ESP Exome Variant Server 0.00062; TOPMed 0.00076.
gnomAD v4.1: 1,068 of 1,611,430 alleles (0.066%); highest among the groups gnomAD compares: Middle Eastern, 0.43%; 2 homozygotes.

Submissions (10):

CeGaT Center for Human Genetics Tuebingen
Classification: Likely benign. Last evaluated: 2026-06-01. Review status: criteria provided, single submitter. Criteria: CeGaT Center For Human Genetics Tuebingen Variant Classification Criteria Version 2. Collection method: clinical testing. Allele origin: germline. Affected: yes. Observed: 6 variant alleles.
Comment: PNPLA6: BP4, BP7

Labcorp Genetics (formerly Invitae), Labcorp
Classification: Likely benign for Hereditary spastic paraplegia 39. Last evaluated: 2026-01-15. Review status: criteria provided, single submitter. Criteria: Invitae Variant Classification Sherloc (09022015). Collection method: clinical testing. Allele origin: germline.

Blueprint Genetics
Classification: Likely benign. Last evaluated: 2024-11-27. Review status: criteria provided, single submitter. Criteria: ACMG Guidelines, 2015. Collection method: clinical testing. Allele origin: germline.

Mayo Clinic Laboratories, Mayo Clinic
Classification: Likely benign. Last evaluated: 2024-10-29. Review status: criteria provided, single submitter. Criteria: ACMG Guidelines, 2015. Collection method: clinical testing. Allele origin: germline. Observed: 7 variant alleles.
Comment: BS1, BP4, BP7

GeneDx
Classification: Likely benign. Last evaluated: 2020-02-27. Review status: criteria provided, single submitter. Criteria: GeneDx Variant Classification Process June 2021. Collection method: clinical testing. Allele origin: germline. Affected: yes.

Athena Diagnostics
Classification: Likely benign. Last evaluated: 2018-04-24. Review status: criteria provided, single submitter. Criteria: Athena Diagnostics Criteria. Collection method: clinical testing. Allele origin: germline.

Illumina Laboratory Services, Illumina
Classification: Uncertain significance for Hereditary spastic paraplegia 39. Last evaluated: 2018-01-12. Review status: criteria provided, single submitter. Criteria: ICSL Variant Classification Criteria 13 December 2019. Collection method: clinical testing. Allele origin: germline.

Genome Diagnostics Laboratory, The Hospital for Sick Children
Classification: Uncertain significance for Hereditary spastic paraplegia. Last evaluated: 2016-12-12. Review status: criteria provided, single submitter. Criteria: ACMG Guidelines, 2015. Collection method: clinical testing. Allele origin: germline. Affected: yes.

Clinical Genetics DNA and cytogenetics Diagnostics Lab, Erasmus MC, Erasmus Medical Center
Classification: Likely benign. Review status: no assertion criteria provided. Collection method: clinical testing. Allele origin: germline. Affected: yes. Study: VKGL Data-share Consensus. Not counted in ClinVar's aggregate classification.

Clinical Genetics, Academic Medical Center
Classification: Benign. Review status: no assertion criteria provided. Collection method: clinical testing. Allele origin: germline. Affected: yes. Study: VKGL Data-share Consensus. Not counted in ClinVar's aggregate classification.